The following is an entry in ClinVar:

ClinVar aggregate classification (germline): Uncertain significance (1 of 4 stars; one submission).

Submission:

Labcorp Genetics (formerly Invitae), Labcorp
Classification: Uncertain significance. Last evaluated: 2022-12-06. Review status: criteria provided, single submitter. Criteria: Invitae Variant Classification Sherloc (09022015). Collection method: clinical testing. Allele origin: germline.
Comment: This variant is not present in population databases (gnomAD no frequency). This sequence change replaces threonine, which is neutral and polar, with alanine, which is neutral and non-polar, at codon 330 of the RAI1 protein (p.Thr330Ala). This variant has not been reported in the literature in individuals affected with RAI1-related conditions. In summary, the available evidence is currently insufficient to determine the role of this variant in disease. Therefore, it has been classified as a Variant of Uncertain Significance. Algorithms developed to predict the effect of missense changes on protein structure and function (SIFT, PolyPhen-2, Align-GVGD) all suggest that this variant is likely to be disruptive.

NM_030665.4(RAI1):c.988A>G (p.Thr330Ala)

Gene: RAI1 (retinoic acid induced 1; plus strand). Cytogenetic location: 17p11.2.
Variant type: single nucleotide variant.
Coding change: c.988A>G on transcript NM_030665.4 (MANE Select); coding-DNA position 988, A replaced by G.
Protein change: p.Thr330Ala; replaces threonine 330 with alanine.
Molecular consequence: missense variant.
Genome position (GRCh38, 1-based): chr17:17,793,936, A>G. VCF-style: chr17-17793936-A-G. GRCh37 (hg19) VCF-style: chr17-17697250-A-G.
Other names: short protein forms T330A.
Identifiers: ClinVar variation 2818993 (VCV002818993.3), dbSNP rs2508572880, ClinGen allele CA398546643.
Genomic context (GRCh38, chr17:17,793,936, plus strand): 5'-AAGTATCAGCACTACGGGCAGCAAGGCCAGGGCTACTGCCAGCCGGACGCAGCCGTCCGG[A>G]CCCCAGAGCAGTACTACCAGACCTTCAGCCCCAGCTCCAGCCACTCACCCGCCCGCTCCG-3'
Protein context (NP_109590.3, residues 320-340): GYCQPDAAVR[Thr330Ala]PEQYYQTFSP